The following is an entry in ClinVar:

ClinVar aggregate classification (germline): Uncertain significance (1 of 4 stars; one submission).

Conditions:
Aortic aneurysm, familial thoracic 8 (AAT8). Identifiers: MedGen C3809513, MONDO:0014187, OMIM 615436.

Submission:

Labcorp Genetics (formerly Invitae), Labcorp
Classification: Uncertain significance for Aortic aneurysm, familial thoracic 8. Last evaluated: 2024-09-21. Review status: criteria provided, single submitter. Criteria: Invitae Variant Classification Sherloc (09022015). Collection method: clinical testing. Allele origin: germline.
Comment: This sequence change replaces aspartic acid, which is acidic and polar, with valine, which is neutral and non-polar, at codon 90 of the PRKG1 protein (p.Asp90Val). This variant is not present in population databases (gnomAD no frequency). This variant has not been reported in the literature in individuals affected with PRKG1-related conditions. An algorithm developed to predict the effect of missense changes on protein structure and function (PolyPhen-2) suggests that this variant is likely to be tolerated. Algorithms developed to predict the effect of sequence changes on RNA splicing suggest that this variant may create or strengthen a splice site. In summary, the available evidence is currently insufficient to determine the role of this variant in disease. Therefore, it has been classified as a Variant of Uncertain Significance.

NM_006258.4(PRKG1):c.269A>T (p.Asp90Val)

Gene: PRKG1 (protein kinase cGMP-dependent 1; plus strand). Cytogenetic location: 10q11.23.
Variant type: single nucleotide variant.
Coding change: c.269A>T on transcript NM_006258.4 (MANE Select); coding-DNA position 269, A replaced by T.
Protein change: p.Asp90Val; replaces aspartic acid 90 with valine.
Molecular consequence: missense variant. On other transcripts: intron variant (1).
Genome position (GRCh38, 1-based): chr10:51,074,859, A>T. VCF-style: chr10-51074859-A-T. GRCh37 (hg19) VCF-style: chr10-52834619-A-T.
Other names: c.269A>T, p.Asp90Val (NM_001374782.1); c.267-78305A>T (NM_001098512.3); short protein forms D90V.
Identifiers: ClinVar variation 3652627 (VCV003652627.2).